The following is an entry in ClinVar:

NM_032043.3(BRIP1):c.510T>C (p.Ile170=)

Gene: BRIP1 (BRCA1 interacting DNA helicase 1; minus strand). Cytogenetic location: 17q23.2.
Variant type: single nucleotide variant.
Coding change: c.510T>C on transcript NM_032043.3 (MANE Select); coding-DNA position 510, T replaced by C.
Protein change: p.Ile170=; no amino-acid change (isoleucine 170 retained).
Molecular consequence: synonymous variant.
Genome position (GRCh38, 1-based): chr17:61,847,218, A>G on the plus strand (T>C on the coding strand, the complement: BRIP1 is on the minus strand). VCF-style: chr17-61847218-A-G. GRCh37 (hg19) VCF-style: chr17-59924579-A-G.
Identifiers: ClinVar variation 2928897 (VCV002928897.4), dbSNP rs1372901008, ClinGen allele CA501150676.

ClinVar aggregate classification (germline): Benign/Likely benign. Review status: criteria provided, multiple submitters, no conflicts (2 of 4 stars). 2 submissions from 2 submitters: Benign (1); Likely benign (1). Last evaluated 2024-08-21.

Conditions:
Familial cancer of breast. Also called: Hereditary breast cancer; hereditary breast carcinoma; BREAST CANCER, FAMILIAL. Identifiers: Orphanet 227535, MedGen C0346153, MONDO:0016419, OMIM 114480. Disease mechanism: loss of function.
Fanconi anemia complementation group J. Also called: BRIP1-Related Fanconi Anemia. Identifiers: Orphanet 84, MedGen C1836860, MONDO:0012187, OMIM 609054.

Submissions (2):

Myriad Genetics, Inc.
Classification: Benign for Familial cancer of breast. Last evaluated: 2024-08-21. Review status: criteria provided, single submitter. Criteria: Myriad Autosomal Dominant, Autosomal Recessive and X-Linked Classification Criteria (2023). Collection method: clinical testing. Allele origin: unknown.
Comment: This variant is considered benign. This variant is a silent/synonymous amino acid change and it is not expected to impact splicing.

Labcorp Genetics (formerly Invitae), Labcorp
Classification: Likely benign for Familial cancer of breast; Fanconi anemia complementation group J. Last evaluated: 2023-02-10. Review status: criteria provided, single submitter. Criteria: Invitae Variant Classification Sherloc (09022015). Collection method: clinical testing. Allele origin: germline.